The following is an entry in ClinVar:

ClinVar aggregate classification (germline): Uncertain significance. Review status: criteria provided, multiple submitters, no conflicts (2 of 4 stars). 2 submissions from 2 submitters: Uncertain significance (2). Last evaluated 2024-09-03.

Allele frequency attached by ClinVar (database versions not stated): ExAC 0.00002; gnomAD 0.00003.
gnomAD v4.1: 29 of 1,614,028 alleles (0.0018%); highest among the groups gnomAD compares: South Asian, 0.013%; no homozygotes.

Submissions (2):

GeneDx
Classification: Uncertain significance. Last evaluated: 2024-09-03. Review status: criteria provided, single submitter. Criteria: GeneDx Variant Classification Process June 2021. Collection method: clinical testing. Allele origin: germline. Affected: yes.
Comment: In silico analysis indicates that this missense variant does not alter protein structure/function; Has not been previously published as pathogenic or benign to our knowledge

Labcorp Genetics (formerly Invitae), Labcorp
Classification: Uncertain significance. Last evaluated: 2023-05-18. Review status: criteria provided, single submitter. Criteria: Invitae Variant Classification Sherloc (09022015). Collection method: clinical testing. Allele origin: germline.
Comment: In summary, the available evidence is currently insufficient to determine the role of this variant in disease. Therefore, it has been classified as a Variant of Uncertain Significance. Advanced modeling of protein sequence and biophysical properties (such as structural, functional, and spatial information, amino acid conservation, physicochemical variation, residue mobility, and thermodynamic stability) performed at Invitae indicates that this missense variant is not expected to disrupt FLNB protein function. This variant has not been reported in the literature in individuals affected with FLNB-related conditions. This variant is present in population databases (rs765974957, gnomAD 0.01%). This sequence change replaces valine, which is neutral and non-polar, with isoleucine, which is neutral and non-polar, at codon 2574 of the FLNB protein (p.Val2574Ile).

NM_001457.4(FLNB):c.7720G>A (p.Val2574Ile)

Gene: FLNB (filamin B; plus strand). Cytogenetic location: 3p14.3.
Variant type: single nucleotide variant.
Coding change: c.7720G>A on transcript NM_001457.4 (MANE Select); coding-DNA position 7720, G replaced by A.
Protein change: p.Val2574Ile; replaces valine 2574 with isoleucine.
Molecular consequence: missense variant.
Genome position (GRCh38, 1-based): chr3:58,170,673, G>A. VCF-style: chr3-58170673-G-A. GRCh37 (hg19) VCF-style: chr3-58156400-G-A.
Other names: c.7813G>A, p.Val2605Ile (NM_001164317.2); c.7687G>A, p.Val2563Ile (NM_001164318.2); c.7648G>A, p.Val2550Ile (NM_001164319.2); c.7720G>A (NM_001457.3); short protein forms V2550I, V2605I, V2563I, V2574I.
Identifiers: ClinVar variation 2981189 (VCV002981189.4), dbSNP rs765974957, ClinGen allele CA2469776.